The following is an entry in ClinVar:

NM_025215.6(PUS1):c.809A>T (p.Glu270Val)

Gene: PUS1 (pseudouridine synthase 1; plus strand). Cytogenetic location: 12q24.33.
Variant type: single nucleotide variant.
Coding change: c.809A>T on transcript NM_025215.6 (MANE Select); coding-DNA position 809, A replaced by T.
Protein change: p.Glu270Val; replaces glutamic acid 270 with valine.
Molecular consequence: missense variant.
Genome position (GRCh38, 1-based): chr12:131,941,556, A>T. VCF-style: chr12-131941556-A-T. GRCh37 (hg19) VCF-style: chr12-132426101-A-T.
Other names: c.725A>T, p.Glu242Val (NM_001002019.3, NM_001002020.3); short protein forms E270V, E242V.
Identifiers: ClinVar variation 2764427 (VCV002764427.3), dbSNP rs1472123639, ClinGen allele CA387299230.

ClinVar aggregate classification (germline): Uncertain significance (1 of 4 stars; one submission).

Submission:

Labcorp Genetics (formerly Invitae), Labcorp
Classification: Uncertain significance. Last evaluated: 2023-09-29. Review status: criteria provided, single submitter. Criteria: Invitae Variant Classification Sherloc (09022015). Collection method: clinical testing. Allele origin: germline.
Comment: This sequence change replaces glutamic acid, which is acidic and polar, with valine, which is neutral and non-polar, at codon 270 of the PUS1 protein (p.Glu270Val). In summary, the available evidence is currently insufficient to determine the role of this variant in disease. Therefore, it has been classified as a Variant of Uncertain Significance. Advanced modeling of protein sequence and biophysical properties (such as structural, functional, and spatial information, amino acid conservation, physicochemical variation, residue mobility, and thermodynamic stability) performed at Invitae indicates that this missense variant is expected to disrupt PUS1 protein function. This variant has not been reported in the literature in individuals affected with PUS1-related conditions. This variant is not present in population databases (gnomAD no frequency).